The following is an entry in ClinVar:

NM_000275.3(OCA2):c.2244+1G>A

Gene: OCA2 (OCA2 melanosomal transmembrane protein; minus strand). Cytogenetic location: 15q13.1.
Variant type: single nucleotide variant.
Coding change: c.2244+1G>A on transcript NM_000275.3 (MANE Select); the canonical splice donor site of the intron after coding-DNA position 2244, G replaced by A.
Molecular consequence: splice donor variant.
Genome position (GRCh38, 1-based): chr15:27,871,153, C>T on the plus strand (G>A on the coding strand, the complement: OCA2 is on the minus strand). VCF-style: chr15-27871153-C-T. GRCh37 (hg19) VCF-style: chr15-28116299-C-T.
Other names: c.2172+1G>A (NM_001300984.2).
Identifiers: ClinVar variation 1411558 (VCV001411558.7), dbSNP rs868098120, ClinGen allele CA391363321.

ClinVar aggregate classification (germline): Pathogenic. Review status: criteria provided, multiple submitters, no conflicts (2 of 4 stars). 2 submissions from 2 submitters: Pathogenic (2). Last evaluated 2022-09-27.

Conditions:
Tyrosinase-positive oculocutaneous albinism (OCA2). Also called: Albinism, oculocutaneous, type II; ALBINISM II; Oculocutaneous albinism type 2. Identifiers: Orphanet 79432, MedGen C0268495, MONDO:0008746, OMIM 203200.

Allele frequency attached by ClinVar (database versions not stated): gnomAD exomes below 0.00001.
gnomAD v4.1: 1 of 1,610,892 alleles (0.000062%); highest among the groups gnomAD compares: Non-Finnish European, 0.000085%; no homozygotes.

Submissions (2):

Labcorp Genetics (formerly Invitae), Labcorp
Classification: Pathogenic. Last evaluated: 2022-09-27. Review status: criteria provided, single submitter. Criteria: Invitae Variant Classification Sherloc (09022015). Collection method: clinical testing. Allele origin: germline.
Comment: For these reasons, this variant has been classified as Pathogenic. Algorithms developed to predict the effect of sequence changes on RNA splicing suggest that this variant may disrupt the consensus splice site. ClinVar contains an entry for this variant (Variation ID: 1411558). Disruption of this splice site has been observed in individuals with oculocutaneous albinism (PMID: 27734839). This variant is not present in population databases (gnomAD no frequency). This sequence change affects a donor splice site in intron 21 of the OCA2 gene. It is expected to disrupt RNA splicing. Variants that disrupt the donor or acceptor splice site typically lead to a loss of protein function (PMID: 16199547), and loss-of-function variants in OCA2 are known to be pathogenic (PMID: 19865097, 21541274).

Intergen Genetics and Rare Diseases Diagnosis Center
Classification: Pathogenic for Tyrosinase-positive oculocutaneous albinism. Review status: criteria provided, single submitter. Criteria: ACMG Guidelines, 2015. Collection method: clinical testing. Allele origin: unknown. Inheritance: Autosomal recessive inheritance.

Literature cited by the submitters: PubMed 27734839 (cited by Labcorp Genetics (formerly Invitae), Labcorp); PubMed 16199547 (cited by Labcorp Genetics (formerly Invitae), Labcorp); PubMed 19865097 (cited by Labcorp Genetics (formerly Invitae), Labcorp); PubMed 21541274 (cited by Labcorp Genetics (formerly Invitae), Labcorp).